The following is an entry in ClinVar:

ClinVar aggregate classification (germline): Benign/Likely benign. Review status: criteria provided, multiple submitters, no conflicts (2 of 4 stars). 4 submissions from 4 submitters: Benign (1); Likely benign (2). 1 of the submissions does not count toward it. Last evaluated 2025-12-12.

Conditions:
LAMA1-related disorder. Also called: LAMA1-related disorders; LAMA1-related condition.

Allele frequency attached by ClinVar (database versions not stated): gnomAD 0.00004 and 0.00007; TOPMed 0.00009; gnomAD exomes 0.00012; 1000 Genomes Project 0.00060; 1000 Genomes Project 30x 0.00062.
gnomAD v4.1: 185 of 1,614,122 alleles (0.011%); highest among the groups gnomAD compares: East Asian, 0.38%; no homozygotes.

Submissions (4):

Women's Health and Genetics/Laboratory Corporation of America, LabCorp
Classification: Likely benign. Last evaluated: 2025-12-12. Review status: criteria provided, single submitter. Criteria: LabCorp Variant Classification Summary - May 2015. Collection method: clinical testing. Allele origin: germline.

Labcorp Genetics (formerly Invitae), Labcorp
Classification: Benign. Last evaluated: 2024-10-16. Review status: criteria provided, single submitter. Criteria: Invitae Variant Classification Sherloc (09022015). Collection method: clinical testing. Allele origin: germline.

Blueprint Genetics
Classification: Likely benign. Last evaluated: 2024-05-31. Review status: criteria provided, single submitter. Criteria: ACMG Guidelines, 2015. Collection method: clinical testing. Allele origin: germline.

PreventionGenetics, part of Exact Sciences
Classification: Likely benign for LAMA1-related condition. Last evaluated: 2019-06-21. Review status: no assertion criteria provided. Collection method: clinical testing. Allele origin: germline. Not counted in ClinVar's aggregate classification.
Comment: This variant is classified as likely benign based on ACMG/AMP sequence variant interpretation guidelines (Richards et al. 2015 PMID: 25741868, with internal and published modifications).

NM_005559.4(LAMA1):c.465C>T (p.Ser155=)

Gene: LAMA1 (laminin subunit alpha 1; minus strand). Cytogenetic location: 18p11.31.
Variant type: single nucleotide variant.
Coding change: c.465C>T on transcript NM_005559.4 (MANE Select); coding-DNA position 465, C replaced by T.
Protein change: p.Ser155=; no amino-acid change (serine 155 retained).
Molecular consequence: synonymous variant.
Genome position (GRCh38, 1-based): chr18:7,050,817, G>A on the plus strand (C>T on the coding strand, the complement: LAMA1 is on the minus strand). VCF-style: chr18-7050817-G-A. GRCh37 (hg19) VCF-style: chr18-7050816-G-A.
Other names: c.465C>T (NM_005559.3).
Identifiers: ClinVar variation 1598571 (VCV001598571.12), dbSNP rs192198427, ClinGen allele CA8883288.
Genomic context (GRCh38, chr18:7,050,817, plus strand): 5'-CCTGTAGGTGGGTGGCCCTCGTCTTGGAGTTATATTGTAACGAGACAAACACTCTGAGTC[G>A]CTGACTGCATAATACTGCCAGGGGCTGAACGTGGTGCCATCCAGAGAACGCTCCAAAATC-3'
Protein context (NP_005550.2, residues 145-165): TFSPWQYYAV[Ser155=]DSECLSRYNI